The following is an entry in ClinVar:

NM_004522.3(KIF5C):c.2767+3_2767+6del

Gene: KIF5C (kinesin family member 5C; plus strand). Cytogenetic location: 2q23.2.
Variant type: Deletion.
Coding change: c.2767+3_2767+6del on transcript NM_004522.3 (MANE Select); bases 3 to 6 of the intron after coding-DNA position 2767, 4 bases deleted (ACGT; older notation c.2767+3_2767+6delACGT).
Molecular consequence: splice donor variant.
Genome position (GRCh38, 1-based): chr2:149,010,354-149,010,357, ACGT deleted; deleting any 4 consecutive bases within chr2:149,010,352-149,010,357 gives the same sequence; the c. name uses the placement nearest the transcript's 3' end. VCF-style (leftmost placement, unchanged base first): chr2-149010351-GGTAC-G. GRCh37 (hg19) VCF-style: chr2-149866865-GGTAC-G.
Identifiers: ClinVar variation 4690147 (VCV004690147.1).
Genomic context (GRCh38, chr2:149,010,351, plus strand): 5'-CGTATCAAGGAGGCCGTGCGGGCCAAGAACATGGCCAGAAGGGCCCATTCAGCCCAGATC[GGTAC>G]GTGCGTGCACAGTGGCGCCCGGGGTTTGAGAAGCTACTGCGGCCTCTCAGCTCAGATTTG-3'

ClinVar aggregate classification (germline): Uncertain significance (1 of 4 stars; one submission).

Submission:

GeneDx
Classification: Uncertain significance. Last evaluated: 2025-07-30. Review status: criteria provided, single submitter. Criteria: GeneDx Variant Classification Process June 2021. Collection method: clinical testing. Allele origin: germline. Affected: yes.
Comment: Not observed at significant frequency in large population cohorts (gnomAD); In silico analysis suggests that this variant does not alter splicing; Has not been previously published as pathogenic or benign to our knowledge